The following is an entry in ClinVar:

ClinVar aggregate classification (germline): Likely pathogenic (1 of 4 stars; one submission).

Conditions:
MYRF-related disorder. Also called: MYRF-related condition; MYRF-related disorders.

Submission:

PreventionGenetics, part of Exact Sciences
Classification: Likely pathogenic for MYRF-related condition. Last evaluated: 2023-04-03. Review status: criteria provided, single submitter. Criteria: ACMG Guidelines, 2015. Collection method: clinical testing. Allele origin: germline.
Comment: The MYRF c.1241C>T variant is predicted to result in the amino acid substitution p.Pro414Leu. To our knowledge, this variant has not been reported in the literature or in a large population database, indicating this variant is rare. This variant is interpreted as likely pathogenic.

NM_001127392.3(MYRF):c.1241C>T (p.Pro414Leu)

Gene: MYRF (myelin regulatory factor; plus strand). Cytogenetic location: 11q12.2.
Variant type: single nucleotide variant.
Coding change: c.1241C>T on transcript NM_001127392.3 (MANE Select); coding-DNA position 1241, C replaced by T.
Protein change: p.Pro414Leu; replaces proline 414 with leucine.
Molecular consequence: missense variant.
Genome position (GRCh38, 1-based): chr11:61,774,092, C>T. VCF-style: chr11-61774092-C-T. GRCh37 (hg19) VCF-style: chr11-61541564-C-T.
Other names: c.1214C>T, p.Pro405Leu (NM_013279.4); short protein forms P405L, P414L.
Identifiers: ClinVar variation 2630563 (VCV002630563.1), dbSNP rs2540930253, ClinGen allele CA380852177.